The following is an entry in ClinVar:

ClinVar aggregate classification (germline): Conflicting classifications of pathogenicity. Review status: criteria provided, conflicting classifications (1 of 4 stars). 2 submissions from 2 submitters: Uncertain significance (1); Likely benign (1). Last evaluated 2023-03-23.

Conditions:
Hereditary cancer-predisposing syndrome. Also called: Neoplastic Syndromes, Hereditary; Tumor predisposition; Hereditary Cancer Syndrome; Hereditary neoplastic syndrome. Identifiers: Orphanet 140162, MedGen C0027672, MeSH D009386, MONDO:0015356.

Submissions (2):

University of Washington Department of Laboratory Medicine, University of Washington
Classification: Likely benign for Hereditary cancer-predisposing syndrome. Last evaluated: 2023-03-23. Review status: criteria provided, single submitter. Criteria: Dines et al. (Genet Med. 2020). Collection method: curation. Allele origin: germline.
Comment: Missense variant in a coldspot region where missense variants are very unlikely to be pathogenic (PMID:31911673).

BRCA1 coldspot (exon 11 using historical exon numbering). Reclassification based on statistical prior probability

Color Diagnostics, LLC DBA Color Health
Classification: Uncertain significance for Hereditary cancer-predisposing syndrome. Last evaluated: 2019-04-17. Review status: criteria provided, single submitter. Criteria: ACMG Guidelines, 2015. Collection method: clinical testing. Allele origin: germline.

NM_007294.4(BRCA1):c.2195A>G (p.Glu732Gly)

Gene: BRCA1 (BRCA1 DNA repair associated; minus strand). Cytogenetic location: 17q21.31.
Variant type: single nucleotide variant.
Coding change: c.2195A>G on transcript NM_007294.4 (MANE Select); coding-DNA position 2195, A replaced by G.
Protein change: p.Glu732Gly; replaces glutamic acid 732 with glycine.
Molecular consequence: missense variant. On other transcripts: intron variant (137).
Genome position (GRCh38, 1-based): chr17:43,093,336, T>C on the plus strand (A>G on the coding strand, the complement: BRCA1 is on the minus strand). VCF-style: chr17-43093336-T-C. GRCh37 (hg19) VCF-style: chr17-41245353-T-C.
Other names: c.2072A>G, p.Glu691Gly (NM_001407664.1, NM_001407667.1, NM_001407669.1 and 19 more transcripts); c.661+1408A>G (NM_001408446.1, NM_001408435.1, NM_001408448.1 and 6 more transcripts); c.784+1408A>G (NM_001408401.1, NM_001408396.1, NM_001407985.1 and 13 more transcripts); c.548-2304A>G (NM_001408494.1); c.664+1408A>G (NM_001408444.1, NM_001408438.1, NM_001408430.1 and 12 more transcripts); c.671-2304A>G (NM_001408423.1, NM_001408420.1, NM_001408419.1 and 2 more transcripts); c.787+1408A>G (NM_001408404.1, NM_001408472.1, NM_001407990.1 and 17 more transcripts); c.788-1197A>G (NM_001407969.1, NM_001407968.1); and 41 more; short protein forms E685G, E732G, E436G, E643G, E662G, E705G, E706G, E605G.
Identifiers: ClinVar variation 919819 (VCV000919819.5), dbSNP rs876660463, ClinGen allele CA10597610.